The following is an entry in ClinVar:

NM_201596.3(CACNB2):c.1767C>G (p.Asn589Lys)

Gene: CACNB2 (calcium voltage-gated channel auxiliary subunit beta 2; plus strand). Cytogenetic location: 10p12.31.
Variant type: single nucleotide variant.
Coding change: c.1767C>G on transcript NM_201596.3 (MANE Select); coding-DNA position 1767, C replaced by G.
Protein change: p.Asn589Lys; replaces asparagine 589 with lysine.
Molecular consequence: missense variant.
Genome position (GRCh38, 1-based): chr10:18,539,508, C>G. VCF-style: chr10-18539508-C-G. GRCh37 (hg19) VCF-style: chr10-18828437-C-G.
Other names: c.1605C>G, p.Asn535Lys (NM_201590.3); c.1653C>G, p.Asn551Lys (NM_201593.3); c.1695C>G, p.Asn565Lys (NM_201597.3); c.1605C>G (NM_201590.2); c.1602C>G, p.Asn534Lys (NM_000724.4); c.1569C>G, p.Asn523Lys (NM_001167945.2); c.1488C>G, p.Asn496Lys (NM_001330060.2); c.1509C>G, p.Asn503Lys (NM_001410882.1); and 3 more; short protein forms N496K, N551K, N565K, N523K, N534K, N503K, N535K, N537K.
Identifiers: ClinVar variation 2112148 (VCV002112148.6), dbSNP rs946681094, ClinGen allele CA203167295.

ClinVar aggregate classification (germline): Uncertain significance. Review status: criteria provided, multiple submitters, no conflicts (2 of 4 stars). 2 submissions from 2 submitters: Uncertain significance (2). Last evaluated 2023-08-14.

Conditions:
Cardiovascular phenotype. Identifiers: MedGen CN230736.
Brugada syndrome 4 (BRGDA4). Identifiers: Orphanet 130, MedGen C2678477, MONDO:0012743, OMIM 611876.

Allele frequency attached by ClinVar (database versions not stated): gnomAD 0.00001.
gnomAD v4.1: 2 of 1,613,902 alleles (0.00012%); highest among the groups gnomAD compares: Non-Finnish European, 0.00017%; no homozygotes.

Submissions (2):

Ambry Genetics
Classification: Uncertain significance for Cardiovascular phenotype. Last evaluated: 2023-08-14. Review status: criteria provided, single submitter. Criteria: Ambry Variant Classification Scheme 2023. Collection method: clinical testing. Allele origin: germline.

Labcorp Genetics (formerly Invitae), Labcorp
Classification: Uncertain significance for Brugada syndrome 4. Last evaluated: 2022-07-23. Review status: criteria provided, single submitter. Criteria: Invitae Variant Classification Sherloc (09022015). Collection method: clinical testing. Allele origin: germline.
Comment: In summary, the available evidence is currently insufficient to determine the role of this variant in disease. Therefore, it has been classified as a Variant of Uncertain Significance. Algorithms developed to predict the effect of missense changes on protein structure and function (SIFT, PolyPhen-2, Align-GVGD) all suggest that this variant is likely to be tolerated. This variant has not been reported in the literature in individuals affected with CACNB2-related conditions. This variant is not present in population databases (gnomAD no frequency). This sequence change replaces asparagine, which is neutral and polar, with lysine, which is basic and polar, at codon 535 of the CACNB2 protein (p.Asn535Lys).